The following is an entry in ClinVar:

NM_006164.5(NFE2L2):c.1514G>A (p.Gly505Asp)

Gene: NFE2L2 (NFE2 like bZIP transcription factor 2; minus strand). Cytogenetic location: 2q31.2.
Variant type: single nucleotide variant.
Coding change: c.1514G>A on transcript NM_006164.5 (MANE Select); coding-DNA position 1514, G replaced by A.
Protein change: p.Gly505Asp; replaces glycine 505 with aspartic acid.
Molecular consequence: missense variant.
Genome position (GRCh38, 1-based): chr2:177,231,089, C>T on the plus strand (G>A on the coding strand, the complement: NFE2L2 is on the minus strand). VCF-style: chr2-177231089-C-T. GRCh37 (hg19) VCF-style: chr2-178095817-C-T.
Other names: c.1466G>A, p.Gly489Asp (NM_001145412.3, NM_001313900.1, NM_001313901.1); c.1445G>A, p.Gly482Asp (NM_001145413.3); c.1424G>A, p.Gly475Asp (NM_001313902.2); c.1295G>A, p.Gly432Asp (NM_001313903.2); c.1214G>A, p.Gly405Asp (NM_001313904.1); short protein forms G489D, G505D, G432D, G405D, G475D, G482D.
Identifiers: ClinVar variation 3643418 (VCV003643418.2).

ClinVar aggregate classification (germline): Uncertain significance (1 of 4 stars; one submission).

gnomAD v4.1: 1 of 1,613,950 alleles (0.000062%); highest among the groups gnomAD compares: Non-Finnish European, 0.000085%; no homozygotes.

Submission:

Labcorp Genetics (formerly Invitae), Labcorp
Classification: Uncertain significance. Last evaluated: 2024-02-26. Review status: criteria provided, single submitter. Criteria: Invitae Variant Classification Sherloc (09022015). Collection method: clinical testing. Allele origin: germline.
Comment: This sequence change replaces glycine, which is neutral and non-polar, with aspartic acid, which is acidic and polar, at codon 505 of the NFE2L2 protein (p.Gly505Asp). This variant is not present in population databases (gnomAD no frequency). This variant has not been reported in the literature in individuals affected with NFE2L2-related conditions. Advanced modeling of protein sequence and biophysical properties (such as structural, functional, and spatial information, amino acid conservation, physicochemical variation, residue mobility, and thermodynamic stability) performed at Invitae indicates that this missense variant is expected to disrupt NFE2L2 protein function with a positive predictive value of 80%. In summary, the available evidence is currently insufficient to determine the role of this variant in disease. Therefore, it has been classified as a Variant of Uncertain Significance.